The following is an entry in ClinVar:

NM_001365536.1(SCN9A):c.3701C>T (p.Thr1234Ile)

Genes: SCN1A-AS1 (SCN1A and SCN9A antisense RNA 1; plus strand), SCN9A (sodium voltage-gated channel alpha subunit 9; minus strand). Cytogenetic location: 2q24.3.
Variant type: single nucleotide variant.
Coding change: c.3701C>T on transcript NM_001365536.1 (MANE Select); coding-DNA position 3701, C replaced by T.
Protein change: p.Thr1234Ile; replaces threonine 1234 with isoleucine.
Molecular consequence: missense variant.
Genome position (GRCh38, 1-based): chr2:166,238,194, G>A on the plus strand (C>T on the coding strand, the complement: SCN9A is on the minus strand). VCF-style: chr2-166238194-G-A. GRCh37 (hg19) VCF-style: chr2-167094704-G-A.
Other names: c.3668C>T, p.Thr1223Ile (NM_002977.4); short protein forms T1234I, T1223I.
Identifiers: ClinVar variation 1440942 (VCV001440942.8), dbSNP rs1695405710, ClinGen allele CA349068747.
Genomic context (GRCh38, chr2:166,238,194, plus strand): 5'-AAATATGTTTTATAACCATATGCTATCCATTTTAGAAGCATTTCCAGAATGAAGATGTAA[G>A]TGAAGATCTTGTCTGCATACTCCAGGATAATCTTAATGGTCTTTTTCCTTTCAATATAAA-3'
Protein context (NP_001352465.1, residues 1224-1244): IILEYADKIF[Thr1234Ile]YIFILEMLLK

ClinVar aggregate classification (germline): Uncertain significance (1 of 4 stars; one submission).

Conditions:
Generalized epilepsy with febrile seizures plus, type 7 (GEFSP7). Also called: GEFS+, TYPE 7. Identifiers: Orphanet 36387, MedGen C2751778, MONDO:0013470, OMIM 613863.
Neuropathy, hereditary sensory and autonomic, type 2A (HSAN2A). Also called: HSAN IIA; WNK1-Related HSAN2 (HSAN2A); MORVAN DISEASE; NEUROPATHY, CONGENITAL SENSORY; NEUROPATHY, HEREDITARY SENSORY RADICULAR, AUTOSOMAL RECESSIVE; NEUROPATHY, HEREDITARY SENSORY, TYPE IIA. Identifiers: Orphanet 970, MedGen C2752089, MONDO:0024309, OMIM 201300.

Allele frequency attached by ClinVar (database versions not stated): gnomAD 0.00001.
gnomAD v4.1: 1 of 1,606,152 alleles (0.000062%); highest among the groups gnomAD compares: Non-Finnish European, 0.000085%; no homozygotes.

Submission:

Labcorp Genetics (formerly Invitae), Labcorp
Classification: Uncertain significance for Neuropathy, hereditary sensory and autonomic, type 2A; Generalized epilepsy with febrile seizures plus, type 7. Last evaluated: 2022-06-27. Review status: criteria provided, single submitter. Criteria: Invitae Variant Classification Sherloc (09022015). Collection method: clinical testing. Allele origin: germline.
Comment: Algorithms developed to predict the effect of missense changes on protein structure and function (SIFT, PolyPhen-2, Align-GVGD) all suggest that this variant is likely to be disruptive. In summary, the available evidence is currently insufficient to determine the role of this variant in disease. Therefore, it has been classified as a Variant of Uncertain Significance. This variant has not been reported in the literature in individuals affected with SCN9A-related conditions. This variant is not present in population databases (gnomAD no frequency). This sequence change replaces threonine, which is neutral and polar, with isoleucine, which is neutral and non-polar, at codon 1223 of the SCN9A protein (p.Thr1223Ile).